The following is an entry in ClinVar:

NM_025137.4(SPG11):c.2471dup (p.Lys825fs)

Gene: SPG11 (SPG11 vesicle trafficking associated, spatacsin; minus strand). Cytogenetic location: 15q21.1.
Variant type: Duplication.
Coding change: c.2471dup on transcript NM_025137.4 (MANE Select); coding-DNA position 2471, one base duplicated (T; older notation c.2471dupT).
Protein change: p.Lys825fs; shifts the reading frame from lysine 825.
Molecular consequence: frameshift variant.
Genome position (GRCh38, 1-based): chr15:44,621,908, A duplicated on the plus strand (T on the coding strand, the reverse complement: SPG11 is on the minus strand); the first of 6 consecutive A bases (chr15:44,621,908-44,621,913); duplicating any one gives the same sequence. VCF-style (leftmost placement, unchanged base first): chr15-44621907-G-GA. GRCh37 (hg19) VCF-style: chr15-44914105-G-GA.
Other names: c.2471dup, p.Lys825fs (NM_001160227.2, NM_001411132.1); short protein forms K825fs.
Identifiers: ClinVar variation 2903616 (VCV002903616.3), dbSNP rs764805516, ClinGen allele CA7535230.
Genomic context (GRCh38, chr15:44,621,907, plus strand): 5'-TTTGTTAAATTCATCTTTACAATCATATTTCAGGAATGAGTCCAAAACAGACTTGTGCTT[G>GA]AAAAAATCTTGTTCCTTTATCCAGTACCTAAAAACAGTGATATAAATTTTTTTTTTTTTA-3'

ClinVar aggregate classification (germline): Pathogenic (1 of 4 stars; one submission).

Conditions:
Hereditary spastic paraplegia 11. Also called: SPASTIC PARAPLEGIA, AUTOSOMAL RECESSIVE, COMPLICATED, WITH THIN CORPUS CALLOSUM; SPASTIC PARAPLEGIA, AUTOSOMAL RECESSIVE, WITH MENTAL IMPAIRMENT AND THIN CORPUS CALLOSUM; Spastic Paraplegia 11; Spastic paraplegia, mental retardation and thin corpus callosum; Nakamura Osame syndrome; Autosomal recessive hereditary spastic paraplegia, mental impairment, and thin corpus callosum. Identifiers: Orphanet 2822, MedGen C1858479, MONDO:0011445, OMIM 604360.

Submission:

Labcorp Genetics (formerly Invitae), Labcorp
Classification: Pathogenic for Hereditary spastic paraplegia 11. Last evaluated: 2023-07-15. Review status: criteria provided, single submitter. Criteria: Invitae Variant Classification Sherloc (09022015). Collection method: clinical testing. Allele origin: germline.
Comment: For these reasons, this variant has been classified as Pathogenic. This premature translational stop signal has been observed in individual(s) with autosomal recessive hereditary spastic paraplegia with thin corpus callosum (PMID: 18067136). This variant is present in population databases (rs764805516, gnomAD 0.0009%). This sequence change creates a premature translational stop signal (p.Lys825Glnfs*13) in the SPG11 gene. It is expected to result in an absent or disrupted protein product. Loss-of-function variants in SPG11 are known to be pathogenic (PMID: 19105190, 20110243, 22154821, 26556829).

Literature cited by the submitters: PubMed 18067136; PubMed 19105190; PubMed 20110243; PubMed 22154821; PubMed 26556829.